The following is an entry in ClinVar:

NM_001164277.2(SLC37A4):c.873G>A (p.Ala291=)

Gene: SLC37A4 (solute carrier family 37 member 4; minus strand). Cytogenetic location: 11q23.3.
Variant type: single nucleotide variant.
Coding change: c.873G>A on transcript NM_001164277.2 (MANE Select); coding-DNA position 873, G replaced by A.
Protein change: p.Ala291=; no amino-acid change (alanine 291 retained).
Molecular consequence: synonymous variant.
Genome position (GRCh38, 1-based): chr11:119,026,078, C>T on the plus strand (G>A on the coding strand, the complement: SLC37A4 is on the minus strand). VCF-style: chr11-119026078-C-T. GRCh37 (hg19) VCF-style: chr11-118896788-C-T.
Other names: c.873G>A, p.Ala291= (NM_001164278.2, NM_001164280.2, NM_001467.6); c.654G>A, p.Ala218= (NM_001164279.2).
Identifiers: ClinVar variation 751545 (VCV000751545.12), dbSNP rs974857648, ClinGen allele CA229597311.

ClinVar aggregate classification (germline): Likely benign. Review status: criteria provided, single submitter (1 of 4 stars). 2 submissions from 2 submitters: Likely benign (1). 1 of the submissions does not count toward it. Last evaluated 2025-05-07.

Conditions:
Glucose-6-phosphate transport defect (GSD1B). Also called: GSD Ib; Glycogen Storage Disease Type Ib. Identifiers: Orphanet 364, Orphanet 79259, MedGen C0268146, MONDO:0009288, OMIM 232220.
SLC37A4-related disorder. Also called: SLC37A4-related condition.

Allele frequency attached by ClinVar (database versions not stated): gnomAD below 0.00001 and 0.00001; gnomAD exomes 0.00001; TOPMed 0.00001.

Submissions (2):

Labcorp Genetics (formerly Invitae), Labcorp
Classification: Likely benign for Glucose-6-phosphate transport defect. Last evaluated: 2025-05-07. Review status: criteria provided, single submitter. Criteria: Invitae Variant Classification Sherloc (09022015). Collection method: clinical testing. Allele origin: germline.

PreventionGenetics, part of Exact Sciences
Classification: Likely benign for SLC37A4-related condition. Last evaluated: 2022-02-02. Review status: no assertion criteria provided. Collection method: clinical testing. Allele origin: germline. Not counted in ClinVar's aggregate classification.
Comment: This variant is classified as likely benign based on ACMG/AMP sequence variant interpretation guidelines (Richards et al. 2015 PMID: 25741868, with internal and published modifications).